The following is an entry in ClinVar:

NM_031407.7(HUWE1):c.12095G>A (p.Arg4032His)

Gene: HUWE1 (HECT, UBA and WWE domain containing E3 ubiquitin protein ligase 1; minus strand). Cytogenetic location: Xp11.22.
Variant type: single nucleotide variant.
Coding change: c.12095G>A on transcript NM_031407.7 (MANE Select); coding-DNA position 12095, G replaced by A.
Protein change: p.Arg4032His; replaces arginine 4032 with histidine.
Molecular consequence: missense variant.
Genome position (GRCh38, 1-based): chrX:53,537,598, C>T on the plus strand (G>A on the coding strand, the complement: HUWE1 is on the minus strand). VCF-style: chrX-53537598-C-T. GRCh37 (hg19) VCF-style: chrX-53564559-C-T.
Other names: short protein forms R4032H.
Identifiers: ClinVar variation 3382338 (VCV003382338.2).

ClinVar aggregate classification (germline): Uncertain significance (1 of 4 stars; one submission).

Conditions:
Intellectual developmental disorder, X-linked, syndromic, Turner type. Also called: Intellectual disability, X-linked syndromic, Turner type; X-linked intellectual disability, Turner type. Identifiers: Orphanet 3056, Orphanet 85328, MedGen C2678046, MONDO:0010407, OMIM 309590.

Submission:

Juno Genomics, Hangzhou Juno Genomics, Inc
Classification: Uncertain significance for Intellectual developmental disorder, X-linked, syndromic, Turner type. Review status: criteria provided, single submitter. Criteria: ACMG Guidelines, 2015. Collection method: clinical testing. Allele origin: germline. Affected: yes.
Comment: Absent from controls (or at extremely low frequency if recessive) in Genome Aggregation Database, Exome Sequencing Project, 1000 Genomes Project, or Exome Aggregation Consortium.;Patient's phenotype or family history is highly specific for a disease with a single genetic etiology.;Assumed de novo, but without confirmation of paternity and maternity.